The following is an entry in ClinVar:

NM_004006.3(DMD):c.6807A>T (p.Gln2269His)

Gene: DMD (dystrophin; minus strand). Cytogenetic location: Xp21.1.
Variant type: single nucleotide variant.
Coding change: c.6807A>T on transcript NM_004006.3 (MANE Select); coding-DNA position 6807, A replaced by T.
Protein change: p.Gln2269His; replaces glutamine 2269 with histidine.
Molecular consequence: missense variant. On other transcripts: 5 prime UTR variant (5).
Genome position (GRCh38, 1-based): chrX:31,929,701, T>A on the plus strand (A>T on the coding strand, the complement: DMD is on the minus strand). VCF-style: chrX-31929701-T-A. GRCh37 (hg19) VCF-style: chrX-31947818-T-A.
Other names: c.6783A>T, p.Gln2261His (NM_000109.4); c.6795A>T, p.Gln2265His (NM_004009.3); c.6438A>T, p.Gln2146His (NM_004010.3); c.2784A>T, p.Gln928His (NM_004011.4); c.2775A>T, p.Gln925His (NM_004012.4); c.-574A>T (NM_004013.3, NM_004020.4, NM_004021.3 and 2 more transcripts); short protein forms Q2146H, Q2261H, Q2265H, Q2269H, Q925H, Q928H.
Identifiers: ClinVar variation 4869865 (VCV004869865.1).

ClinVar aggregate classification (germline): Uncertain significance (1 of 4 stars; one submission).

Conditions:
Cardiovascular phenotype. Identifiers: MedGen CN230736.

Submission:

Ambry Genetics
Classification: Uncertain significance for Cardiovascular phenotype. Last evaluated: 2026-04-09. Review status: criteria provided, single submitter. Criteria: Ambry Variant Classification Scheme 2023. Collection method: clinical testing. Allele origin: germline.
Comment: The p.Q2269H variant (also known as c.6807A>T), located in coding exon 47 of the DMD gene, results from an A to T substitution at nucleotide position 6807. The glutamine at codon 2269 is replaced by histidine, an amino acid with highly similar properties. This amino acid position is conserved. In addition, this alteration is predicted to be tolerated by in silico analysis. Based on the available evidence, the clinical significance of this variant remains unclear.